The following is an entry in ClinVar:

NM_003355.3(UCP2):c.180C>T (p.Arg60=)

Gene: UCP2 (uncoupling protein 2; minus strand). Cytogenetic location: 11q13.4.
Variant type: single nucleotide variant.
Coding change: c.180C>T on transcript NM_003355.3 (MANE Select); coding-DNA position 180, C replaced by T.
Protein change: p.Arg60=; no amino-acid change (arginine 60 retained).
Molecular consequence: synonymous variant.
Genome position (GRCh38, 1-based): chr11:73,978,043, G>A on the plus strand (C>T on the coding strand, the complement: UCP2 is on the minus strand). VCF-style: chr11-73978043-G-A. GRCh37 (hg19) VCF-style: chr11-73689088-G-A.
Other names: c.180C>T, p.Arg60= (NM_001381943.1, NM_001381944.1, NM_001381945.1 and 4 more transcripts).
Identifiers: ClinVar variation 3053407 (VCV003053407.2), dbSNP rs762860874, ClinGen allele CA6181219.

ClinVar aggregate classification (germline): Likely benign (0 of 4 stars; one submission).

Conditions:
UCP2-related disorder. Also called: UCP2-related condition.

Allele frequency attached by ClinVar (database versions not stated): TOPMed 0.00002; gnomAD 0.00003; ExAC 0.00006; gnomAD exomes 0.00007.
gnomAD v4.1: 102 of 1,614,060 alleles (0.0063%); highest among the groups gnomAD compares: Admixed American, 0.012%; no homozygotes.

Submission:

PreventionGenetics, part of Exact Sciences
Classification: Likely benign for UCP2-related condition. Last evaluated: 2020-08-10. Review status: no assertion criteria provided. Collection method: clinical testing. Allele origin: germline.
Comment: This variant is classified as likely benign based on ACMG/AMP sequence variant interpretation guidelines (Richards et al. 2015 PMID: 25741868, with internal and published modifications).